The following is an entry in ClinVar:

ClinVar aggregate classification (germline): Uncertain significance. Review status: criteria provided, multiple submitters, no conflicts (2 of 4 stars). 2 submissions from 2 submitters: Uncertain significance (2). Last evaluated 2025-10-29.

Conditions:
Inborn genetic diseases. Identifiers: MedGen C0950123, MeSH D030342.
Familial episodic pain syndrome with predominantly lower limb involvement. Also called: Episodic pain syndrome, familial, 3. Identifiers: Orphanet 391384, Orphanet 391392, MedGen C3809899, MONDO:0014247, OMIM 615552.
Hereditary sensory and autonomic neuropathy type 7. Also called: Neuropathy, hereditary sensory and autonomic, type VII; HSAN VII. Identifiers: Orphanet 391397, MedGen C3809882, MONDO:0014244, OMIM 615548.

Allele frequency attached by ClinVar (database versions not stated): TOPMed 0.00001; gnomAD exomes below 0.00001 and 0.00001; ExAC 0.00001.
gnomAD v4.1: 13 of 1,610,846 alleles (0.00081%); highest among the groups gnomAD compares: Admixed American, 0.0034%; no homozygotes.

Submissions (2):

Labcorp Genetics (formerly Invitae), Labcorp
Classification: Uncertain significance for Familial episodic pain syndrome with predominantly lower limb involvement; Hereditary sensory and autonomic neuropathy type 7. Last evaluated: 2025-10-29. Review status: criteria provided, single submitter. Criteria: Invitae Variant Classification Sherloc (09022015). Collection method: clinical testing. Allele origin: germline.
Comment: This sequence change replaces alanine, which is neutral and non-polar, with serine, which is neutral and polar, at codon 1246 of the SCN11A protein (p.Ala1246Ser). The frequency data for this variant in the population databases is considered unreliable, as metrics indicate poor data quality at this position in the gnomAD database. This variant has not been reported in the literature in individuals affected with SCN11A-related conditions. ClinVar contains an entry for this variant (Variation ID: 661980). Invitae Evidence Modeling of protein sequence and biophysical properties (such as structural, functional, and spatial information, amino acid conservation, physicochemical variation, residue mobility, and thermodynamic stability) has been performed for this missense variant. However, the output from this modeling did not meet the statistical confidence thresholds required to predict the impact of this variant on SCN11A protein function. In summary, the available evidence is currently insufficient to determine the role of this variant in disease. Therefore, it has been classified as a Variant of Uncertain Significance.

Ambry Genetics
Classification: Uncertain significance for Inborn genetic diseases. Last evaluated: 2025-03-20. Review status: criteria provided, single submitter. Criteria: Ambry Variant Classification Scheme 2023. Collection method: clinical testing. Allele origin: germline.

NM_001349253.2(SCN11A):c.3736G>T (p.Ala1246Ser)

Genes: SCN11A (sodium voltage-gated channel alpha subunit 11; minus strand), LOC126806652 (CDK7 strongly-dependent group 2 enhancer GRCh37_chr3:38912374-38913573; plus strand). Cytogenetic location: 3p22.2.
Variant type: single nucleotide variant.
Coding change: c.3736G>T on transcript NM_001349253.2 (MANE Select); coding-DNA position 3736, G replaced by T.
Protein change: p.Ala1246Ser; replaces alanine 1246 with serine.
Molecular consequence: missense variant.
Genome position (GRCh38, 1-based): chr3:38,871,468, C>A on the plus strand (G>T on the coding strand, the complement: SCN11A is on the minus strand). VCF-style: chr3-38871468-C-A. GRCh37 (hg19) VCF-style: chr3-38912959-C-A.
Other names: c.3736G>T, p.Ala1246Ser (NM_014139.3); short protein forms A1246S.
Identifiers: ClinVar variation 661980 (VCV000661980.7), dbSNP rs778454820, ClinGen allele CA2321729.